The following is an entry in ClinVar:

NM_017668.3(NDE1):c.291G>A (p.Glu97=)

Gene: NDE1 (nudE neurodevelopment protein 1; plus strand). Cytogenetic location: 16p13.11.
Variant type: single nucleotide variant.
Coding change: c.291G>A on transcript NM_017668.3 (MANE Select); coding-DNA position 291, G replaced by A.
Protein change: p.Glu97=; no amino-acid change (glutamic acid 97 retained).
Molecular consequence: synonymous variant.
Genome position (GRCh38, 1-based): chr16:15,677,854, G>A. VCF-style: chr16-15677854-G-A. GRCh37 (hg19) VCF-style: chr16-15771711-G-A.
Other names: c.291G>A, p.Glu97= (NM_001143979.2).
Identifiers: ClinVar variation 884703 (VCV000884703.12), dbSNP rs760012847, ClinGen allele CA7920560.

ClinVar aggregate classification (germline): Conflicting classifications of pathogenicity. Review status: criteria provided, conflicting classifications (1 of 4 stars). 3 submissions from 3 submitters: Uncertain significance (1); Likely benign (2). Last evaluated 2025-03-08.

Conditions:
NDE1-related disorder. Also called: NDE1-related condition; NDE1-Related Disorders.
Lissencephaly 4 (LIS4). Also called: Lissencephaly 4 (with microcephaly). Identifiers: Orphanet 1083, MedGen C3151461, MONDO:0013527, OMIM 614019.

Allele frequency attached by ClinVar (database versions not stated): ExAC 0.00002; gnomAD exomes 0.00002 and 0.00004; TOPMed 0.00004.
gnomAD v4.1: 12 of 1,614,110 alleles (0.00074%); highest among the groups gnomAD compares: Admixed American, 0.02%; no homozygotes.

Submissions (3):

PreventionGenetics, part of Exact Sciences
Classification: Likely benign for NDE1-related condition. Last evaluated: 2025-03-08. Review status: criteria provided, single submitter. Criteria: ACMG Guidelines, 2015. Collection method: clinical testing. Allele origin: germline.
Comment: This variant is classified as likely benign based on ACMG/AMP sequence variant interpretation guidelines (Richards et al. 2015 PMID: 25741868, with internal and published modifications).

Labcorp Genetics (formerly Invitae), Labcorp
Classification: Likely benign. Last evaluated: 2021-09-18. Review status: criteria provided, single submitter. Criteria: Invitae Variant Classification Sherloc (09022015). Collection method: clinical testing. Allele origin: germline.

Illumina Laboratory Services, Illumina
Classification: Uncertain significance for Lissencephaly 4. Last evaluated: 2017-04-28. Review status: criteria provided, single submitter. Criteria: ICSL Variant Classification Criteria 13 December 2019. Collection method: clinical testing. Allele origin: germline.